The following is an entry in ClinVar:

NM_001267550.2(TTN):c.52111G>T (p.Gly17371Ter)

Genes: TTN (titin; minus strand), TTN-AS1 (TTN antisense RNA 1; plus strand). Cytogenetic location: 2q31.2.
Variant type: single nucleotide variant.
Coding change: c.52111G>T on transcript NM_001267550.2 (MANE Select); coding-DNA position 52111, G replaced by T.
Protein change: p.Gly17371Ter; replaces glycine 17371 with a stop codon.
Molecular consequence: nonsense.
Genome position (GRCh38, 1-based): chr2:178,608,900, C>A on the plus strand (G>T on the coding strand, the complement: TTN is on the minus strand). VCF-style: chr2-178608900-C-A. GRCh37 (hg19) VCF-style: chr2-179473627-C-A.
Other names: c.47188G>T, p.Gly15730Ter (NM_001256850.1); c.24916G>T, p.Gly8306Ter (NM_003319.4); c.44407G>T, p.Gly14803Ter (NM_133378.4); c.25291G>T, p.Gly8431Ter (NM_133432.3); c.25492G>T, p.Gly8498Ter (NM_133437.4); short protein forms G14803*, G15730*, G17371*, G8306*, G8431*, G8498*.
Identifiers: ClinVar variation 4852188 (VCV004852188.1).

ClinVar aggregate classification (germline): Likely pathogenic (1 of 4 stars; one submission).

Conditions:
Dilated cardiomyopathy 1G (CMD1G). Identifiers: Orphanet 154, MedGen C1858763, MONDO:0011400, OMIM 604145.

Submission:

Variantyx, Inc.
Classification: Likely pathogenic for Dilated cardiomyopathy 1G. Last evaluated: 2025-09-16. Review status: criteria provided, single submitter. Criteria: Variantyx Assertion Criteria 2022. Collection method: clinical testing. Allele origin: germline. Inheritance: Autosomal dominant inheritance. Affected: yes.
Comment: This is a nonsense variant in the TTN gene (OMIM: 188840). Pathogenic variants in this gene have been associated with autosomal dominant dilated cardiomyopathy 1G. This variant has not been reported in individuals with TTN-related disorders in the databases available for review. This variant introduces a premature termination codon in exon 274 out of 363 and is expected to result in loss of function, which is a known disease mechanism for TTN in this disorder (PMID:38938651) (PVS1). This variant is absent from control populations (PM2). Based on the current evidence, this variant is classified as likely pathogenic for autosomal dominant dilated cardiomyopathy 1G.

Literature cited by the submitters: PubMed 38938651.